The following is an entry in ClinVar:

NM_002480.3(PPP1R12A):c.2930G>T (p.Arg977Ile)

Gene: PPP1R12A (protein phosphatase 1 regulatory subunit 12A; minus strand). Cytogenetic location: 12q21.2.
Variant type: single nucleotide variant.
Coding change: c.2930G>T on transcript NM_002480.3 (MANE Select); coding-DNA position 2930, G replaced by T.
Protein change: p.Arg977Ile; replaces arginine 977 with isoleucine.
Molecular consequence: missense variant.
Genome position (GRCh38, 1-based): chr12:79,781,840, C>A on the plus strand (G>T on the coding strand, the complement: PPP1R12A is on the minus strand). VCF-style: chr12-79781840-C-A. GRCh37 (hg19) VCF-style: chr12-80175620-C-A.
Other names: c.2930G>T, p.Arg977Ile (NM_001143885.2); c.2669G>T, p.Arg890Ile (NM_001143886.2); c.2825G>T, p.Arg942Ile (NM_001244990.2); c.2762G>T, p.Arg921Ile (NM_001244992.1); short protein forms R890I, R977I, R921I, R942I.
Identifiers: ClinVar variation 1521475 (VCV001521475.6), dbSNP rs368218767, ClinGen allele CA240139171.

ClinVar aggregate classification (germline): Uncertain significance (1 of 4 stars; one submission).

Allele frequency attached by ClinVar (database versions not stated): gnomAD 0.00001; gnomAD exomes 0.00001 and 0.00002; TOPMed 0.00001; ESP Exome Variant Server 0.00009.
gnomAD v4.1: 15 of 1,543,820 alleles (0.00097%); highest among the groups gnomAD compares: Non-Finnish European, 0.0013%; no homozygotes.

Submission:

Labcorp Genetics (formerly Invitae), Labcorp
Classification: Uncertain significance. Last evaluated: 2021-03-29. Review status: criteria provided, single submitter. Criteria: Invitae Variant Classification Sherloc (09022015). Collection method: clinical testing. Allele origin: germline.
Comment: This variant has not been reported in the literature in individuals with PPP1R12A-related conditions. This sequence change replaces arginine with isoleucine at codon 977 of the PPP1R12A protein (p.Arg977Ile). The arginine residue is moderately conserved and there is a moderate physicochemical difference between arginine and isoleucine. This variant is not present in population databases (ExAC no frequency). Algorithms developed to predict the effect of missense changes on protein structure and function are either unavailable or do not agree on the potential impact of this missense change (SIFT: "Tolerated"; PolyPhen-2: "Probably Damaging"; Align-GVGD: "Class C0"). In summary, the available evidence is currently insufficient to determine the role of this variant in disease. Therefore, it has been classified as a Variant of Uncertain Significance.